The following is an entry in ClinVar:

NM_004525.3(LRP2):c.11861G>A (p.Gly3954Asp)

Gene: LRP2 (LDL receptor related protein 2; minus strand). Cytogenetic location: 2q31.1.
Variant type: single nucleotide variant.
Coding change: c.11861G>A on transcript NM_004525.3 (MANE Select); coding-DNA position 11861, G replaced by A.
Protein change: p.Gly3954Asp; replaces glycine 3954 with aspartic acid.
Molecular consequence: missense variant.
Genome position (GRCh38, 1-based): chr2:169,162,498, C>T on the plus strand (G>A on the coding strand, the complement: LRP2 is on the minus strand). VCF-style: chr2-169162498-C-T. GRCh37 (hg19) VCF-style: chr2-170019008-C-T.
Other names: short protein forms G3954D.
Identifiers: ClinVar variation 5037202 (VCV005037202.1).

ClinVar aggregate classification (germline): Uncertain significance (1 of 4 stars; one submission).

gnomAD v4.1: 1 of 1,614,070 alleles (0.000062%); highest among the groups gnomAD compares: Non-Finnish European, 0.000085%; no homozygotes.

Submission:

GeneDx
Classification: Uncertain significance. Last evaluated: 2026-04-22. Review status: criteria provided, single submitter. Criteria: GeneDx Variant Classification Process June 2021. Collection method: clinical testing. Allele origin: germline.
Comment: Not observed at significant frequency in large population cohorts (gnomAD); In silico analysis supports that this missense variant has a deleterious effect on protein structure/function; Has not been previously published as pathogenic or benign to our knowledge